The following is an entry in ClinVar:

ClinVar aggregate classification (germline): Likely benign. Review status: criteria provided, multiple submitters, no conflicts (2 of 4 stars). 3 submissions from 3 submitters: Likely benign (2). 1 of the submissions does not count toward it. Last evaluated 2025-11-17.

Conditions:
FOXP1-related disorder. Also called: FOXP1-related condition.

Allele frequency attached by ClinVar (database versions not stated): TOPMed 0.00003.
gnomAD v4.1: 43 of 1,613,964 alleles (0.0027%); highest among the groups gnomAD compares: Middle Eastern, 0.049%; no homozygotes.

Submissions (3):

Labcorp Genetics (formerly Invitae), Labcorp
Classification: Likely benign. Last evaluated: 2025-11-17. Review status: criteria provided, single submitter. Criteria: Invitae Variant Classification Sherloc (09022015). Collection method: clinical testing. Allele origin: germline.

Blueprint Genetics
Classification: Likely benign. Last evaluated: 2022-12-19. Review status: criteria provided, single submitter. Criteria: ACMG Guidelines, 2015. Collection method: clinical testing. Allele origin: germline.

PreventionGenetics, part of Exact Sciences
Classification: Likely benign for FOXP1-related condition. Last evaluated: 2024-03-27. Review status: no assertion criteria provided. Collection method: clinical testing. Allele origin: germline. Not counted in ClinVar's aggregate classification.
Comment: This variant is classified as likely benign based on ACMG/AMP sequence variant interpretation guidelines (Richards et al. 2015 PMID: 25741868, with internal and published modifications).

NM_001349338.3(FOXP1):c.90C>T (p.Gly30=)

Gene: FOXP1 (forkhead box P1; minus strand). Cytogenetic location: 3p13.
Variant type: single nucleotide variant.
Coding change: c.90C>T on transcript NM_001349338.3 (MANE Select); coding-DNA position 90, C replaced by T.
Protein change: p.Gly30=; no amino-acid change (glycine 30 retained).
Molecular consequence: synonymous variant. On other transcripts: non-coding transcript variant (2).
Genome position (GRCh38, 1-based): chr3:71,198,292, G>A on the plus strand (C>T on the coding strand, the complement: FOXP1 is on the minus strand). VCF-style: chr3-71198292-G-A. GRCh37 (hg19) VCF-style: chr3-71247443-G-A.
Other names: c.90C>T (NM_032682.5); c.90C>T, p.Gly30= (NM_001012505.2, NM_001244808.3, NM_001244810.2 and 7 more transcripts).
Identifiers: ClinVar variation 2173873 (VCV002173873.6), dbSNP rs199633590, ClinGen allele CA2491465.